The following is an entry in ClinVar:

NM_001386298.1(CIC):c.3603C>A (p.His1201Gln)

Gene: CIC (capicua transcriptional repressor; plus strand). Cytogenetic location: 19q13.2.
Variant type: single nucleotide variant.
Coding change: c.3603C>A on transcript NM_001386298.1 (MANE Select); coding-DNA position 3603, C replaced by A.
Protein change: p.His1201Gln; replaces histidine 1201 with glutamine.
Molecular consequence: missense variant.
Genome position (GRCh38, 1-based): chr19:42,287,920, C>A. VCF-style: chr19-42287920-C-A. GRCh37 (hg19) VCF-style: chr19-42792072-C-A.
Other names: c.3603C>A, p.His1201Gln (NM_001304815.2, NM_001379480.1, NM_001379482.1); c.876C>A, p.His292Gln (NM_001379484.1, NM_001379485.1, NM_015125.5); short protein forms H1201Q, H292Q.
Identifiers: ClinVar variation 1315098 (VCV001315098.2), dbSNP rs764441944, ClinGen allele CA406099650.

ClinVar aggregate classification (germline): Uncertain significance (1 of 4 stars; one submission).

Submission:

GeneDx
Classification: Uncertain significance. Last evaluated: 2020-01-27. Review status: criteria provided, single submitter. Criteria: GeneDx Variant Classification Process June 2021. Collection method: clinical testing. Allele origin: germline. Affected: yes.
Comment: Not observed in large population cohorts (Lek et al., 2016); In silico analysis, which includes protein predictors and evolutionary conservation, supports that this variant does not alter protein structure/function; Has not been previously published as pathogenic or benign to our knowledge